The following is an entry in ClinVar:

NM_000059.4(BRCA2):c.5049G>T (p.Gln1683His)

Gene: BRCA2 (BRCA2 DNA repair associated; plus strand). Cytogenetic location: 13q13.1.
Variant type: single nucleotide variant.
Coding change: c.5049G>T on transcript NM_000059.4 (MANE Select); coding-DNA position 5049, G replaced by T.
Protein change: p.Gln1683His; replaces glutamine 1683 with histidine.
Molecular consequence: missense variant.
Genome position (GRCh38, 1-based): chr13:32,339,404, G>T. VCF-style: chr13-32339404-G-T. GRCh37 (hg19) VCF-style: chr13-32913541-G-T.
Other names: short protein forms Q1683H.
Identifiers: ClinVar variation 825398 (VCV000825398.7), dbSNP rs773973434, ClinGen allele CA387784018.
Genomic context (GRCh38, chr13:32,339,404, plus strand): 5'-CATTGAAAATTCAGCCTTAGCTTTTTACACAAGTTGTAGTAGAAAAACTTCTGTGAGTCA[G>T]ACTTCATTACTTGAAGCAAAAAAATGGCTTAGAGAAGGAATATTTGATGGTCAACCAGAA-3'
Protein context (NP_000050.3, residues 1673-1693): TSCSRKTSVS[Gln1683His]TSLLEAKKWL

ClinVar aggregate classification (germline): Conflicting classifications of pathogenicity. Review status: criteria provided, conflicting classifications (1 of 4 stars). 3 submissions from 3 submitters: Uncertain significance (2); Likely benign (1). Last evaluated 2023-03-23.

Conditions:
Hereditary cancer-predisposing syndrome. Also called: Neoplastic Syndromes, Hereditary; Tumor predisposition; Hereditary neoplastic syndrome; Hereditary Cancer Syndrome. Identifiers: Orphanet 140162, MedGen C0027672, MeSH D009386, MONDO:0015356.

gnomAD v4.1: 1 of 1,595,932 alleles (0.000063%); highest among the groups gnomAD compares: South Asian, 0.0011%; no homozygotes.

Submissions (3):

University of Washington Department of Laboratory Medicine, University of Washington
Classification: Likely benign for Hereditary cancer-predisposing syndrome. Last evaluated: 2023-03-23. Review status: criteria provided, single submitter. Criteria: Dines et al. (Genet Med. 2020). Collection method: curation. Allele origin: germline.
Comment: Missense variant in a coldspot region where missense variants are very unlikely to be pathogenic (PMID:31911673).

BRCA2 exon 11 coldspot. Reclassification based on statistical prior probability.

Quest Diagnostics Nichols Institute San Juan Capistrano
Classification: Uncertain significance. Last evaluated: 2023-01-24. Review status: criteria provided, single submitter. Criteria: Quest Diagnostics criteria. Collection method: clinical testing. Allele origin: unknown.
Comment: To the best of our knowledge, the variant has not been reported in the published literature. It also has not been reported in large, multi-ethnic general populations. Analysis of this variant using bioinformatics tools for the prediction of the effect of amino acid changes on protein structure and function yielded conflicting predictions that this variant is benign or damaging. Based on the available information, we are unable to determine the clinical significance of this variant.

Ambry Genetics
Classification: Uncertain significance for Hereditary cancer-predisposing syndrome. Last evaluated: 2018-09-22. Review status: criteria provided, single submitter. Criteria: Ambry Variant Classification Scheme 2023. Collection method: clinical testing. Allele origin: germline.
Comment: The p.Q1683H variant (also known as c.5049G>T), located in coding exon 10 of the BRCA2 gene, results from a G to T substitution at nucleotide position 5049. The glutamine at codon 1683 is replaced by histidine, an amino acid with highly similar properties. This amino acid position is not well conserved in available vertebrate species. In addition, this alteration is predicted to be tolerated by in silico analysis. Since supporting evidence is limited at this time, the clinical significance of this alteration remains unclear.